The following is an entry in ClinVar:

NM_000535.7(PMS2):c.1751T>G (p.Ile584Ser)

Gene: PMS2 (PMS1 homolog 2, mismatch repair system component; minus strand). Cytogenetic location: 7p22.1.
Variant type: single nucleotide variant.
Coding change: c.1751T>G on transcript NM_000535.7 (MANE Select); coding-DNA position 1751, T replaced by G.
Protein change: p.Ile584Ser; replaces isoleucine 584 with serine.
Molecular consequence: missense variant. On other transcripts: non-coding transcript variant (1).
Genome position (GRCh38, 1-based): chr7:5,987,014, A>C on the plus strand (T>G on the coding strand, the complement: PMS2 is on the minus strand). VCF-style: chr7-5987014-A-C. GRCh37 (hg19) VCF-style: chr7-6026645-A-C.
Other names: c.1643T>G, p.Ile548Ser (NM_001406869.1); c.1751T>G, p.Ile584Ser (NM_001406872.1, NM_001406871.1, NM_001322014.2); c.1553T>G, p.Ile518Ser (NM_001406873.1); c.1583T>G, p.Ile528Ser (NM_001406874.1); c.1595T>G, p.Ile532Ser (NM_001406870.1, NM_001322006.2); c.1346T>G, p.Ile449Ser (NM_001018040.1, NM_001322003.2, NM_001322004.2 and 17 more transcripts); c.1433T>G, p.Ile478Ser (NM_001322007.2, NM_001322008.2, NM_001406876.1 and 2 more transcripts); c.1190T>G, p.Ile397Ser (NM_001322010.2, NM_001406906.1, NM_001406907.1); and 12 more; short protein forms I273S, I413S, I429S, I449S, I476S, I528S, I532S, I584S.
Identifiers: ClinVar variation 1779410 (VCV001779410.2), dbSNP rs2535739275, ClinGen allele CA366740035.

ClinVar aggregate classification (germline): Uncertain significance (1 of 4 stars; one submission).

Conditions:
Hereditary cancer-predisposing syndrome. Also called: Neoplastic Syndromes, Hereditary; Tumor predisposition; Hereditary Cancer Syndrome; Hereditary neoplastic syndrome. Identifiers: Orphanet 140162, MedGen C0027672, MeSH D009386, MONDO:0015356.

Submission:

Ambry Genetics
Classification: Uncertain significance for Hereditary cancer-predisposing syndrome. Last evaluated: 2017-05-20. Review status: criteria provided, single submitter. Criteria: Ambry Variant Classification Scheme 2023. Collection method: clinical testing. Allele origin: germline.
Comment: The p.I584S variant (also known as c.1751T>G), located in coding exon 11 of the PMS2 gene, results from a T to G substitution at nucleotide position 1751. The isoleucine at codon 584 is replaced by serine, an amino acid with dissimilar properties. This amino acid position is poorly conserved in available vertebrate species. In addition, this alteration is predicted to be tolerated by in silico analysis. Since supporting evidence is limited at this time, the clinical significance of this alteration remains unclear.